The following is an entry in ClinVar:

NM_004181.5(UCHL1):c.*276T>A

Gene: UCHL1 (ubiquitin C-terminal hydrolase L1; plus strand). Cytogenetic location: 4p13.
Variant type: single nucleotide variant.
Coding change: c.*276T>A on transcript NM_004181.5 (MANE Select); 276 bases downstream of the stop codon, T replaced by A.
Molecular consequence: 3 prime UTR variant.
Genome position (GRCh38, 1-based): chr4:41,268,349, T>A. VCF-style: chr4-41268349-T-A. GRCh37 (hg19) VCF-style: chr4-41270366-T-A.
Identifiers: ClinVar variation 901643 (VCV000901643.4), dbSNP rs116336893, ClinGen allele CA95785620.
Genomic context (GRCh38, chr4:41,268,349, plus strand): 5'-AGCATTCTCCCCAGTGTATGTCTTGTATCCGATATCTAACGCTTTAAATGGCTACTTTGG[T>A]TTCTGTCTGTAAGTTAAGACCTTGGATGTGGTTTAATTGTTTGTCCTCAAAAGGAATAAA-3'

ClinVar aggregate classification (germline): Likely benign (1 of 4 stars; one submission).

Conditions:
Parkinson disease 5, autosomal dominant, susceptibility to (PARK5). Also called: Parkinson disease 5, susceptibility to. Identifiers: Orphanet 2828, MedGen C3150899, MONDO:0013340, OMIM 613643.

Allele frequency attached by ClinVar (database versions not stated): 1000 Genomes Project 0.00280; 1000 Genomes Project 30x 0.00297; gnomAD 0.00441 and 0.00483; TOPMed 0.00512; gnomAD exomes 0.00537.
gnomAD v4.1: 2,651 of 503,012 alleles (0.53%); highest among the groups gnomAD compares: Middle Eastern, 1.4%; 18 homozygotes.

Submission:

Illumina Laboratory Services, Illumina
Classification: Likely benign for Parkinson disease 5, autosomal dominant, susceptibility to. Last evaluated: 2018-01-13. Review status: criteria provided, single submitter. Criteria: ICSL Variant Classification Criteria 13 December 2019. Collection method: clinical testing. Allele origin: germline.
Comment: This variant was observed in the ICSL laboratory as part of a predisposition screen in an ostensibly healthy population. It had not been previously curated by ICSL or reported in the Human Gene Mutation Database (HGMD: prior to June 1st, 2018), and was therefore a candidate for classification through an automated scoring system. Utilizing variant allele frequency, disease prevalence and penetrance estimates, and inheritance mode, an automated score was calculated to assess if this variant is too frequent to cause the disease. Based on the score and internal cut-off values, a variant classified as likely benign is not then subjected to further curation. The score for this variant resulted in a classification of likely benign for this disease.